The following is an entry in ClinVar:

NM_000038.6(APC):c.4012C>G (p.Gln1338Glu)

Gene: APC (APC regulator of Wnt signaling pathway; plus strand). Cytogenetic location: 5q22.2.
Variant type: single nucleotide variant.
Coding change: c.4012C>G on transcript NM_000038.6 (MANE Select); coding-DNA position 4012, C replaced by G.
Protein change: p.Gln1338Glu; replaces glutamine 1338 with glutamic acid.
Molecular consequence: missense variant.
Genome position (GRCh38, 1-based): chr5:112,839,606, C>G. VCF-style: chr5-112839606-C-G. GRCh37 (hg19) VCF-style: chr5-112175303-C-G.
Other names: c.4012C>G, p.Gln1338Glu (NM_001127510.3, NM_001354895.2); c.3958C>G, p.Gln1320Glu (NM_001127511.3); c.4066C>G, p.Gln1356Glu (NM_001354896.2); c.4042C>G, p.Gln1348Glu (NM_001354897.2); c.3937C>G, p.Gln1313Glu (NM_001354898.2); c.3928C>G, p.Gln1310Glu (NM_001354899.2); c.3889C>G, p.Gln1297Glu (NM_001354900.2); c.3835C>G, p.Gln1279Glu (NM_001354901.2); and 5 more; short protein forms Q1178E, Q1247E, Q1313E, Q1320E, Q1055E, Q1297E, Q1310E, Q1356E.
Identifiers: ClinVar variation 955247 (VCV000955247.13), dbSNP rs121913327, ClinGen allele CA16030129.

ClinVar aggregate classification (germline): Uncertain significance. Review status: criteria provided, multiple submitters, no conflicts (2 of 4 stars). 2 submissions from 2 submitters: Uncertain significance (2). Last evaluated 2020-06-16.

Conditions:
Familial adenomatous polyposis 1 (FAP1). Also called: FAMILIAL ADENOMATOUS POLYPOSIS 1, ATTENUATED; POLYPOSIS, ADENOMATOUS INTESTINAL. Identifiers: MedGen C2713442, MONDO:0021056, OMIM 175100. Disease mechanism: loss of function.
Hereditary cancer-predisposing syndrome. Also called: Hereditary neoplastic syndrome; Tumor predisposition; Neoplastic Syndromes, Hereditary; Hereditary Cancer Syndrome. Identifiers: Orphanet 140162, MedGen C0027672, MeSH D009386, MONDO:0015356.

Allele frequency attached by ClinVar (database versions not stated): gnomAD exomes below 0.00001.
gnomAD v4.1: 1 of 1,614,144 alleles (0.000062%); highest among the groups gnomAD compares: Non-Finnish European, 0.000085%; no homozygotes.

Submissions (2):

Ambry Genetics
Classification: Uncertain significance for Hereditary cancer-predisposing syndrome. Last evaluated: 2020-06-16. Review status: criteria provided, single submitter. Criteria: Ambry Variant Classification Scheme 2023. Collection method: clinical testing. Allele origin: germline.
Comment: The p.Q1338E variant (also known as c.4012C>G), located in coding exon 15 of the APC gene, results from a C to G substitution at nucleotide position 4012. The glutamine at codon 1338 is replaced by glutamic acid, an amino acid with highly similar properties. This amino acid position is well conserved in available vertebrate species. In addition, in silico predictors for this gene do not accurately predict pathogenicity. Since supporting evidence is limited at this time, the clinical significance of this alteration remains unclear.

Labcorp Genetics (formerly Invitae), Labcorp
Classification: Uncertain significance for Familial adenomatous polyposis 1. Last evaluated: 2019-11-07. Review status: criteria provided, single submitter. Criteria: Invitae Variant Classification Sherloc (09022015). Collection method: clinical testing. Allele origin: germline.
Comment: In summary, the available evidence is currently insufficient to determine the role of this variant in disease. Therefore, it has been classified as a Variant of Uncertain Significance. Algorithms developed to predict the effect of missense changes on protein structure and function (SIFT, PolyPhen-2, Align-GVGD) all suggest that this variant is likely to be tolerated, but these predictions have not been confirmed by published functional studies and their clinical significance is uncertain. This variant has not been reported in the literature in individuals with APC-related conditions. This variant is not present in population databases (ExAC no frequency). This sequence change replaces glutamine with glutamic acid at codon 1338 of the APC protein (p.Gln1338Glu). The glutamine residue is highly conserved and there is a small physicochemical difference between glutamine and glutamic acid.